The following is an entry in ClinVar:

ClinVar aggregate classification (germline): Uncertain significance (1 of 4 stars; one submission).

Conditions:
Inborn genetic diseases. Identifiers: MedGen C0950123, MeSH D030342.

gnomAD v4.1: 6 of 1,612,410 alleles (0.00037%); highest among the groups gnomAD compares: Admixed American, 0.005%; no homozygotes.

Submission:

Ambry Genetics
Classification: Uncertain significance for Inborn genetic diseases. Last evaluated: 2024-08-12. Review status: criteria provided, single submitter. Criteria: Ambry Variant Classification Scheme 2023. Collection method: clinical testing. Allele origin: germline.
Comment: The p.M842V variant (also known as c.2524A>G), located in coding exon 20 of the LRRK2 gene, results from an A to G substitution at nucleotide position 2524. The methionine at codon 842 is replaced by valine, an amino acid with highly similar properties. This amino acid position is conserved. In addition, this alteration is predicted to be tolerated by in silico analysis. Since supporting evidence is limited at this time, the clinical significance of this alteration remains unclear.

NM_198578.4(LRRK2):c.2524A>G (p.Met842Val)

Gene: LRRK2 (leucine rich repeat kinase 2; plus strand). Cytogenetic location: 12q12.
Variant type: single nucleotide variant.
Coding change: c.2524A>G on transcript NM_198578.4 (MANE Select); coding-DNA position 2524, A replaced by G.
Protein change: p.Met842Val; replaces methionine 842 with valine.
Molecular consequence: missense variant.
Genome position (GRCh38, 1-based): chr12:40,287,374, A>G. VCF-style: chr12-40287374-A-G. GRCh37 (hg19) VCF-style: chr12-40681176-A-G.
Other names: short protein forms M842V.
Identifiers: ClinVar variation 1792575 (VCV001792575.3), dbSNP rs1002407297, ClinGen allele CA235338426.